The following is an entry in ClinVar:

ClinVar aggregate classification (germline): Conflicting classifications of pathogenicity. Review status: criteria provided, conflicting classifications (1 of 4 stars). 3 submissions from 3 submitters: Uncertain significance (2); Likely benign (1). Last evaluated 2024-11-01.

Conditions:
Dilated cardiomyopathy 1G (CMD1G). Identifiers: Orphanet 154, MedGen C1858763, MONDO:0011400, OMIM 604145.
Myopathy, myofibrillar, 9, with early respiratory failure (MFM9). Also called: EDSTROM MYOPATHY; MYOPATHY, PROXIMAL, WITH EARLY RESPIRATORY MUSCLE INVOLVEMENT; Hereditary myopathy with early respiratory failure; Myopathy, distal, with early respiratory failure, autosomal dominant. Identifiers: Orphanet 178464, Orphanet 34521, MedGen C1863599, MONDO:0011362, OMIM 603689.
Autosomal recessive limb-girdle muscular dystrophy type 2J (LGMDR10). Also called: Limb-girdle muscular dystrophy, type 2J; MUSCULAR DYSTROPHY, LIMB-GIRDLE, AUTOSOMAL RECESSIVE 10. Identifiers: Orphanet 140922, MedGen C1837342, MONDO:0012127, OMIM 608807.
Tibial muscular dystrophy (TMD). Also called: Udd Distal Myopathy – Tibial Muscular Dystrophy; Tibial muscular dystrophy, tardive; UDD MYOPATHY. Identifiers: Orphanet 609, MedGen C1838244, MONDO:0010870, OMIM 600334.
Early-onset myopathy with fatal cardiomyopathy (CMYO5). Also called: CONGENITAL MYOPATHY 5 WITH CARDIOMYOPATHY; Salih Myopathy. Identifiers: Orphanet 289377, MedGen C2673677, MONDO:0012714, OMIM 611705. Disease mechanism: loss of function.
Hypertrophic cardiomyopathy 9. Also called: Familial hypertrophic cardiomyopathy 9. Identifiers: MedGen C1861065, MONDO:0013412, OMIM 613765.

gnomAD v4.1: 1 of 1,612,876 alleles (0.000062%); highest among the groups gnomAD compares: Non-Finnish European, 0.000085%; no homozygotes.

Submissions (3):

CeGaT Center for Human Genetics Tuebingen
Classification: Likely benign. Last evaluated: 2024-11-01. Review status: criteria provided, single submitter. Criteria: CeGaT Center For Human Genetics Tuebingen Variant Classification Criteria Version 2. Collection method: clinical testing. Allele origin: germline. Affected: yes. Observed: 1 variant allele.
Comment: TTN: BP4

Fulgent Genetics
Classification: Uncertain significance for Tibial muscular dystrophy; Myopathy, myofibrillar, 9, with early respiratory failure; Dilated cardiomyopathy 1G; Autosomal recessive limb-girdle muscular dystrophy type 2J; Early-onset myopathy with fatal cardiomyopathy; Hypertrophic cardiomyopathy 9. Last evaluated: 2021-10-11. Review status: criteria provided, single submitter. Criteria: ACMG Guidelines, 2015. Collection method: clinical testing. Allele origin: unknown.

Biesecker Lab/Clinical Genomics Section, National Institutes of Health
Classification: Uncertain significance. Last evaluated: 2013-06-24. Review status: criteria provided, single submitter. Criteria: Ng et al. (Circ Cardiovasc Genet. 2013). Collection method: research. Allele origin: unknown. Observed: 1 variant allele. Study: ClinSeq.
Comment: The study set was not selected for affection status in relation to any cancer. Pathogenicity categories were based on literature curation. See Pubmed ID:23861362 for details.

Medical sequencing

NM_001267550.2(TTN):c.5479G>A (p.Ala1827Thr)

Gene: TTN (titin; minus strand). Cytogenetic location: 2q31.2.
Variant type: single nucleotide variant.
Coding change: c.5479G>A on transcript NM_001267550.2 (MANE Select); coding-DNA position 5479, G replaced by A.
Protein change: p.Ala1827Thr; replaces alanine 1827 with threonine.
Molecular consequence: missense variant.
Genome position (GRCh38, 1-based): chr2:178,776,385, C>T on the plus strand (G>A on the coding strand, the complement: TTN is on the minus strand). VCF-style: chr2-178776385-C-T. GRCh37 (hg19) VCF-style: chr2-179641112-C-T.
Other names: c.5479G>A, p.Ala1827Thr (NM_133378.4, NM_001256850.1, NM_133379.5); c.5341G>A, p.Ala1781Thr (NM_003319.4, NM_133432.3, NM_133437.4); short protein forms A1827T, A1781T.
Identifiers: ClinVar variation 192081 (VCV000192081.16), dbSNP rs141213991, ClinGen allele CA238279.